The following is an entry in ClinVar:

NM_001035.3(RYR2):c.4909A>G (p.Arg1637Gly)

Gene: RYR2 (ryanodine receptor 2; plus strand). Cytogenetic location: 1q43.
Variant type: single nucleotide variant.
Coding change: c.4909A>G on transcript NM_001035.3 (MANE Select); coding-DNA position 4909, A replaced by G.
Protein change: p.Arg1637Gly; replaces arginine 1637 with glycine.
Molecular consequence: missense variant.
Genome position (GRCh38, 1-based): chr1:237,610,987, A>G. VCF-style: chr1-237610987-A-G. GRCh37 (hg19) VCF-style: chr1-237774287-A-G.
Other names: short protein forms R1637G.
Identifiers: ClinVar variation 3722374 (VCV003722374.2).

ClinVar aggregate classification (germline): Uncertain significance (1 of 4 stars; one submission).

Conditions:
Catecholaminergic polymorphic ventricular tachycardia 1. Also called: VENTRICULAR TACHYCARDIA, STRESS-INDUCED POLYMORPHIC 1; VENTRICULAR TACHYCARDIA, CATECHOLAMINERGIC POLYMORPHIC, 1, WITH OR WITHOUT ATRIAL DYSFUNCTION AND/OR DILATED CARDIOMYOPATHY; RYR2-Related Catecholaminergic Polymorphic Ventricular Tachycardia. Identifiers: Orphanet 3286, MedGen C1631597, MONDO:0011484, OMIM 604772.

Submission:

Labcorp Genetics (formerly Invitae), Labcorp
Classification: Uncertain significance for Catecholaminergic polymorphic ventricular tachycardia 1. Last evaluated: 2024-10-07. Review status: criteria provided, single submitter. Criteria: Invitae Variant Classification Sherloc (09022015). Collection method: clinical testing. Allele origin: germline.
Comment: This sequence change replaces arginine, which is basic and polar, with glycine, which is neutral and non-polar, at codon 1637 of the RYR2 protein (p.Arg1637Gly). This variant is not present in population databases (gnomAD no frequency). This variant has not been reported in the literature in individuals affected with RYR2-related conditions. An algorithm developed to predict the effect of missense changes on protein structure and function (PolyPhen-2) suggests that this variant is likely to be disruptive. Algorithms developed to predict the effect of sequence changes on RNA splicing suggest that this variant may disrupt the consensus splice site. In summary, the available evidence is currently insufficient to determine the role of this variant in disease. Therefore, it has been classified as a Variant of Uncertain Significance.